The following is an entry in ClinVar:

ClinVar aggregate classification (germline): Uncertain significance (1 of 4 stars; one submission).

Conditions:
LOXHD1-related disorder. Also called: LOXHD1-related condition.

gnomAD v4.1: 7 of 1,551,664 alleles (0.00045%); highest among the groups gnomAD compares: Admixed American, 0.014%; no homozygotes.

Submission:

PreventionGenetics, part of Exact Sciences
Classification: Uncertain significance for LOXHD1-related condition. Last evaluated: 2026-02-25. Review status: criteria provided, single submitter. Criteria: ACMG Guidelines, 2015. Collection method: clinical testing. Allele origin: germline.
Comment: The LOXHD1 c.1808A>C variant is predicted to result in the amino acid substitution p.Asn603Thr. To our knowledge, this variant has not been reported in the literature. This variant is reported in 0.024% of alleles in individuals of Latino descent in gnomAD. At this time, the clinical significance of this variant is uncertain due to the absence of conclusive functional and genetic evidence.

NM_001384474.1(LOXHD1):c.1808A>C (p.Asn603Thr)

Gene: LOXHD1 (lipoxygenase homology PLAT domains 1; minus strand). Cytogenetic location: 18q21.1.
Variant type: single nucleotide variant.
Coding change: c.1808A>C on transcript NM_001384474.1 (MANE Select); coding-DNA position 1808, A replaced by C.
Protein change: p.Asn603Thr; replaces asparagine 603 with threonine.
Molecular consequence: missense variant.
Genome position (GRCh38, 1-based): chr18:46,579,631, T>G on the plus strand (A>C on the coding strand, the complement: LOXHD1 is on the minus strand). VCF-style: chr18-46579631-T-G. GRCh37 (hg19) VCF-style: chr18-44159594-T-G.
Other names: c.1808A>C, p.Asn603Thr (NM_144612.7); short protein forms N603T.
Identifiers: ClinVar variation 4978838 (VCV004978838.1).